The following is an entry in ClinVar:

NM_001330078.2(NRXN1):c.2205G>A (p.Met735Ile)

Gene: NRXN1 (neurexin 1; minus strand). Cytogenetic location: 2p16.3.
Variant type: single nucleotide variant.
Coding change: c.2205G>A on transcript NM_001330078.2 (MANE Select); coding-DNA position 2205, G replaced by A.
Protein change: p.Met735Ile; replaces methionine 735 with isoleucine.
Molecular consequence: missense variant.
Genome position (GRCh38, 1-based): chr2:50,531,369, C>T on the plus strand (G>A on the coding strand, the complement: NRXN1 is on the minus strand). VCF-style: chr2-50531369-C-T. GRCh37 (hg19) VCF-style: chr2-50758507-C-T.
Other names: c.2205G>A, p.Met735Ile (NM_001330086.2, NM_004801.6, NM_001330085.2); c.2121G>A, p.Met707Ile (NM_001330087.2, NM_001330096.2); c.2151G>A, p.Met717Ile (NM_001330088.2); c.2202G>A, p.Met734Ile (NM_001330093.2); c.2193G>A, p.Met731Ile (NM_001330094.2); c.2181G>A, p.Met727Ile (NM_001330095.2, NM_001330077.2, NM_001330082.2); c.2325G>A, p.Met775Ile (NM_001135659.3); c.2166G>A, p.Met722Ile (NM_001330083.2, NM_001330084.2); short protein forms M717I, M727I, M734I, M707I, M735I, M775I, M722I, M731I.
Identifiers: ClinVar variation 2897185 (VCV002897185.3), dbSNP rs748618483, ClinGen allele CA1654893.

ClinVar aggregate classification (germline): Uncertain significance (1 of 4 stars; one submission).

Conditions:
Pitt-Hopkins-like syndrome 2 (PTHSL2). Identifiers: Orphanet 221150, Orphanet 600663, MedGen C3280479, MONDO:0013690, OMIM 614325.

Allele frequency attached by ClinVar (database versions not stated): gnomAD exomes below 0.00001; TOPMed 0.00002; ExAC 0.00003; gnomAD 0.00003.
gnomAD v4.1: 6 of 1,612,936 alleles (0.00037%); highest among the groups gnomAD compares: African/African-American, 0.008%; no homozygotes.

Submission:

Labcorp Genetics (formerly Invitae), Labcorp
Classification: Uncertain significance for Pitt-Hopkins-like syndrome 2. Last evaluated: 2022-11-14. Review status: criteria provided, single submitter. Criteria: Invitae Variant Classification Sherloc (09022015). Collection method: clinical testing. Allele origin: germline.
Comment: This sequence change replaces methionine, which is neutral and non-polar, with isoleucine, which is neutral and non-polar, at codon 775 of the NRXN1 protein (p.Met775Ile). The frequency data for this variant in the population databases is considered unreliable, as metrics indicate poor data quality at this position in the gnomAD database. This variant has not been reported in the literature in individuals affected with NRXN1-related conditions. Algorithms developed to predict the effect of missense changes on protein structure and function (SIFT, PolyPhen-2, Align-GVGD) all suggest that this variant is likely to be tolerated. In summary, the available evidence is currently insufficient to determine the role of this variant in disease. Therefore, it has been classified as a Variant of Uncertain Significance.